The following is an entry in ClinVar:

ClinVar aggregate classification (germline): Uncertain significance. Review status: criteria provided, multiple submitters, no conflicts (2 of 4 stars). 4 submissions from 4 submitters: Uncertain significance (4). Last evaluated 2024-01-30.

Conditions:
Autosomal recessive distal renal tubular acidosis. Identifiers: Orphanet 402041, MedGen C1864498, MONDO:0018440.
Renal tubular acidosis, distal, 3, with or without sensorineural hearing loss (DRTA3). Identifiers: MedGen C5399980, MONDO:0011268, OMIM 602722.

Allele frequency attached by ClinVar (database versions not stated): TOPMed 0.00006.
gnomAD v4.1: 77 of 1,613,762 alleles (0.0048%); highest among the groups gnomAD compares: African/African-American, 0.0027%; no homozygotes.

Submissions (4):

Fulgent Genetics
Classification: Uncertain significance for Renal tubular acidosis, distal, 3, with or without sensorineural hearing loss. Last evaluated: 2024-01-30. Review status: criteria provided, single submitter. Criteria: ACMG Guidelines, 2015. Collection method: clinical testing. Allele origin: germline.

Labcorp Genetics (formerly Invitae), Labcorp
Classification: Uncertain significance. Last evaluated: 2022-01-04. Review status: criteria provided, single submitter. Criteria: Invitae Variant Classification Sherloc (09022015). Collection method: clinical testing. Allele origin: germline.
Comment: This sequence change replaces arginine, which is basic and polar, with threonine, which is neutral and polar, at codon 568 of the ATP6V0A4 protein (p.Arg568Thr). This variant is present in population databases (rs774244498, gnomAD 0.2%). This variant has not been reported in the literature in individuals affected with ATP6V0A4-related conditions. ClinVar contains an entry for this variant (Variation ID: 910401). Algorithms developed to predict the effect of missense changes on protein structure and function (SIFT, PolyPhen-2, Align-GVGD) all suggest that this variant is likely to be tolerated. In summary, the available evidence is currently insufficient to determine the role of this variant in disease. Therefore, it has been classified as a Variant of Uncertain Significance.

GeneDx
Classification: Uncertain significance. Last evaluated: 2020-01-23. Review status: criteria provided, single submitter. Criteria: GeneDx Variant Classification Process June 2021. Collection method: clinical testing. Allele origin: germline. Affected: yes.
Comment: In silico analysis, which includes protein predictors and evolutionary conservation, supports that this variant does not alter protein structure/function; Has not been previously published as pathogenic or benign to our knowledge

Illumina Laboratory Services, Illumina
Classification: Uncertain significance for Renal tubular acidosis, distal, 3, with or without sensorineural hearing loss. Last evaluated: 2018-01-12. Review status: criteria provided, single submitter. Criteria: ICSL Variant Classification Criteria 13 December 2019. Collection method: clinical testing. Allele origin: germline.

NM_020632.3(ATP6V0A4):c.1703G>C (p.Arg568Thr)

Gene: ATP6V0A4 (ATPase H+ transporting V0 subunit a4; minus strand). Cytogenetic location: 7q34.
Variant type: single nucleotide variant.
Coding change: c.1703G>C on transcript NM_020632.3 (MANE Select); coding-DNA position 1703, G replaced by C.
Protein change: p.Arg568Thr; replaces arginine 568 with threonine.
Molecular consequence: missense variant.
Genome position (GRCh38, 1-based): chr7:138,733,082, C>G on the plus strand (G>C on the coding strand, the complement: ATP6V0A4 is on the minus strand). VCF-style: chr7-138733082-C-G. GRCh37 (hg19) VCF-style: chr7-138417827-C-G.
Other names: c.1703G>C, p.Arg568Thr (NM_130840.3, NM_130841.3); short protein forms R568T.
Identifiers: ClinVar variation 910401 (VCV000910401.8), dbSNP rs774244498, ClinGen allele CA4504665.